The following is an entry in ClinVar:

NM_001127208.3(TET2):c.1912A>G (p.Met638Val)

Genes: TET2-AS1 (TET2 antisense RNA 1; minus strand), TET2 (tet methylcytosine dioxygenase 2; plus strand). Cytogenetic location: 4q24.
Variant type: single nucleotide variant.
Coding change: c.1912A>G on transcript NM_001127208.3 (MANE Select); coding-DNA position 1912, A replaced by G.
Protein change: p.Met638Val; replaces methionine 638 with valine.
Molecular consequence: missense variant.
Genome position (GRCh38, 1-based): chr4:105,235,854, A>G. VCF-style: chr4-105235854-A-G. GRCh37 (hg19) VCF-style: chr4-106157011-A-G.
Other names: c.1912A>G, p.Met638Val (NM_017628.4); short protein forms M638V.
Identifiers: ClinVar variation 2997339 (VCV002997339.3), dbSNP rs1728843110, ClinGen allele CA357796924.
Genomic context (GRCh38, chr4:105,235,854, plus strand): 5'-CAAGCTTACACCCAGAAAACAACACAGCTGGAGCACAAGTCACAAATGTACCAAGTTGAA[A>G]TGAATCAAGGGCAGTCCCAAGGTACAGTGGACCAACATCTCCAGTTCCAAAAACCCTCAC-3'
Protein context (NP_001120680.1, residues 628-648): EHKSQMYQVE[Met638Val]NQGQSQGTVD

ClinVar aggregate classification (germline): Uncertain significance (1 of 4 stars; one submission).

Submission:

Labcorp Genetics (formerly Invitae), Labcorp
Classification: Uncertain significance. Last evaluated: 2023-04-06. Review status: criteria provided, single submitter. Criteria: Invitae Variant Classification Sherloc (09022015). Collection method: clinical testing. Allele origin: germline.
Comment: This variant has not been reported in the literature in individuals affected with TET2-related conditions. Algorithms developed to predict the effect of missense changes on protein structure and function output the following: SIFT: "Not Available"; PolyPhen-2: "Benign"; Align-GVGD: "Not Available". The valine amino acid residue is found in multiple mammalian species, which suggests that this missense change does not adversely affect protein function. In summary, the available evidence is currently insufficient to determine the role of this variant in disease. Therefore, it has been classified as a Variant of Uncertain Significance. This variant is not present in population databases (gnomAD no frequency). This sequence change replaces methionine, which is neutral and non-polar, with valine, which is neutral and non-polar, at codon 638 of the TET2 protein (p.Met638Val).